The following is an entry in ClinVar:

NM_004994.3(MMP9):c.1222G>C (p.Gly408Arg)

Gene: MMP9 (matrix metallopeptidase 9; plus strand). Cytogenetic location: 20q13.12.
Variant type: single nucleotide variant.
Coding change: c.1222G>C on transcript NM_004994.3 (MANE Select); coding-DNA position 1222, G replaced by C.
Protein change: p.Gly408Arg; replaces glycine 408 with arginine.
Molecular consequence: missense variant.
Genome position (GRCh38, 1-based): chr20:46,012,474, G>C. VCF-style: chr20-46012474-G-C. GRCh37 (hg19) VCF-style: chr20-44641113-G-C.
Other names: short protein forms G408R.
Identifiers: ClinVar variation 4743152 (VCV004743152.1).

ClinVar aggregate classification (germline): Uncertain significance (1 of 4 stars; one submission).

Submission:

Labcorp Genetics (formerly Invitae), Labcorp
Classification: Uncertain significance. Last evaluated: 2025-02-04. Review status: criteria provided, single submitter. Criteria: Invitae Variant Classification Sherloc (09022015). Collection method: clinical testing. Allele origin: germline.
Comment: This sequence change replaces glycine, which is neutral and non-polar, with arginine, which is basic and polar, at codon 408 of the MMP9 protein (p.Gly408Arg). This variant is not present in population databases (gnomAD no frequency). This variant has not been reported in the literature in individuals affected with MMP9-related conditions. Invitae Evidence Modeling of protein sequence and biophysical properties (such as structural, functional, and spatial information, amino acid conservation, physicochemical variation, residue mobility, and thermodynamic stability) indicates that this missense variant is expected to disrupt MMP9 protein function with a positive predictive value of 80%. In summary, the available evidence is currently insufficient to determine the role of this variant in disease. Therefore, it has been classified as a Variant of Uncertain Significance.